The following is an entry in ClinVar:

NM_001401501.2(MUC16):c.34875C>A (p.Ser11625Arg)

Gene: MUC16 (mucin 16, cell surface associated; minus strand). Cytogenetic location: 19p13.2.
Variant type: single nucleotide variant.
Coding change: c.34875C>A on transcript NM_001401501.2 (MANE Select); coding-DNA position 34875, C replaced by A.
Protein change: p.Ser11625Arg; replaces serine 11625 with arginine.
Molecular consequence: missense variant.
Genome position (GRCh38, 1-based): chr19:8,936,200, G>T on the plus strand (C>A on the coding strand, the complement: MUC16 is on the minus strand). VCF-style: chr19-8936200-G-T. GRCh37 (hg19) VCF-style: chr19-9046876-G-T.
Other names: c.35301C>A, p.Ser11767Arg (NM_001414686.1); c.34755C>A, p.Ser11585Arg (NM_001414687.1, NM_024690.2); short protein forms S11585R, S11625R, S11767R.
Identifiers: ClinVar variation 3060265 (VCV003060265.2), dbSNP rs4804378, ClinGen allele CA9166148.

ClinVar aggregate classification (germline): Benign (0 of 4 stars; one submission).

Conditions:
MUC16-related disorder. Also called: MUC16-related condition.

Allele frequency attached by ClinVar (database versions not stated): ESP Exome Variant Server 0.14749; TOPMed 0.16826; 1000 Genomes Project 30x 0.18285; gnomAD exomes 0.18469; 1000 Genomes Project 0.18510; ExAC 0.19014.

Submission:

PreventionGenetics, part of Exact Sciences
Classification: Benign for MUC16-related condition. Last evaluated: 2019-10-18. Review status: no assertion criteria provided. Collection method: clinical testing. Allele origin: germline.
Comment: This variant is classified as benign based on ACMG/AMP sequence variant interpretation guidelines (Richards et al. 2015 PMID: 25741868, with internal and published modifications).